The following is an entry in ClinVar:

ClinVar aggregate classification (germline): Uncertain significance (1 of 4 stars; one submission).

Conditions:
Hereditary cancer-predisposing syndrome. Also called: Neoplastic Syndromes, Hereditary; Tumor predisposition; Hereditary Cancer Syndrome; Hereditary neoplastic syndrome. Identifiers: Orphanet 140162, MedGen C0027672, MeSH D009386, MONDO:0015356.

Submission:

Ambry Genetics
Classification: Uncertain significance for Hereditary cancer-predisposing syndrome. Last evaluated: 2020-12-03. Review status: criteria provided, single submitter. Criteria: Ambry Variant Classification Scheme 2023. Collection method: clinical testing. Allele origin: germline.
Comment: The p.D366N variant (also known as c.1096G>A), located in coding exon 9 of the NBN gene, results from a G to A substitution at nucleotide position 1096. The aspartic acid at codon 366 is replaced by asparagine, an amino acid with highly similar properties. This amino acid position is well conserved in available vertebrate species. In addition, this alteration is predicted to be tolerated by in silico analysis. Since supporting evidence is limited at this time, the clinical significance of this alteration remains unclear.

NM_002485.5(NBN):c.1096G>A (p.Asp366Asn)

Gene: NBN (nibrin; minus strand). Cytogenetic location: 8q21.3.
Variant type: single nucleotide variant.
Coding change: c.1096G>A on transcript NM_002485.5 (MANE Select); coding-DNA position 1096, G replaced by A.
Protein change: p.Asp366Asn; replaces aspartic acid 366 with asparagine.
Molecular consequence: missense variant.
Genome position (GRCh38, 1-based): chr8:89,958,753, C>T on the plus strand (G>A on the coding strand, the complement: NBN is on the minus strand). VCF-style: chr8-89958753-C-T. GRCh37 (hg19) VCF-style: chr8-90970981-C-T.
Other names: c.850G>A, p.Asp284Asn (NM_001024688.3); short protein forms D366N, D284N.
Identifiers: ClinVar variation 483983 (VCV000483983.5), dbSNP rs1554560367, ClinGen allele CA371656623.